The following is an entry in ClinVar:

ClinVar aggregate classification (germline): Uncertain significance. Review status: criteria provided, multiple submitters, no conflicts (2 of 4 stars). 3 submissions from 3 submitters: Uncertain significance (3). Last evaluated 2025-07-15.

Conditions:
Inborn genetic diseases. Identifiers: MedGen C0950123, MeSH D030342.
Glycogen storage disease due to lactate dehydrogenase M-subunit deficiency (GSD11). Also called: Glycogen storage disease XI; GSD XI; LACTATE DEHYDROGENASE A DEFICIENCY. Identifiers: Orphanet 284426, MedGen C2931743, MONDO:0013047, OMIM 612933.

Allele frequency attached by ClinVar (database versions not stated): gnomAD 0.00001; gnomAD exomes 0.00001; ExAC 0.00003.
gnomAD v4.1: 14 of 1,611,978 alleles (0.00087%); highest among the groups gnomAD compares: Admixed American, 0.0033%; no homozygotes.

Submissions (3):

Ambry Genetics
Classification: Uncertain significance for Inborn genetic diseases. Last evaluated: 2025-07-15. Review status: criteria provided, single submitter. Criteria: Ambry Variant Classification Scheme 2023. Collection method: clinical testing. Allele origin: germline.

Labcorp Genetics (formerly Invitae), Labcorp
Classification: Uncertain significance for Glycogen storage disease due to lactate dehydrogenase M-subunit deficiency. Last evaluated: 2022-04-10. Review status: criteria provided, single submitter. Criteria: Invitae Variant Classification Sherloc (09022015). Collection method: clinical testing. Allele origin: germline.
Comment: This sequence change replaces valine, which is neutral and non-polar, with methionine, which is neutral and non-polar, at codon 146 of the LDHA protein (p.Val146Met). This variant is present in population databases (rs200268273, gnomAD 0.004%). This variant has not been reported in the literature in individuals affected with LDHA-related conditions. Algorithms developed to predict the effect of missense changes on protein structure and function are either unavailable or do not agree on the potential impact of this missense change (SIFT: "Deleterious"; PolyPhen-2: "Probably Damaging"; Align-GVGD: "Class C0"). In summary, the available evidence is currently insufficient to determine the role of this variant in disease. Therefore, it has been classified as a Variant of Uncertain Significance.

Revvity Omics, Revvity
Classification: Uncertain significance for Glycogen storage disease due to lactate dehydrogenase M-subunit deficiency. Last evaluated: 2021-06-18. Review status: criteria provided, single submitter. Criteria: ACMG Guidelines, 2015. Collection method: clinical testing. Allele origin: germline.

NM_005566.4(LDHA):c.436G>A (p.Val146Met)

Gene: LDHA (lactate dehydrogenase A; plus strand). Cytogenetic location: 11p15.1.
Variant type: single nucleotide variant.
Coding change: c.436G>A on transcript NM_005566.4 (MANE Select); coding-DNA position 436, G replaced by A.
Protein change: p.Val146Met; replaces valine 146 with methionine.
Molecular consequence: missense variant. On other transcripts: non-coding transcript variant (1).
Genome position (GRCh38, 1-based): chr11:18,402,857, G>A. VCF-style: chr11-18402857-G-A. GRCh37 (hg19) VCF-style: chr11-18424404-G-A.
Other names: c.436G>A (NM_005566.3); c.262G>A, p.Val88Met (NM_001135239.2); c.523G>A, p.Val175Met (NM_001165414.2); c.436G>A, p.Val146Met (NM_001165415.2, NM_001165416.2); short protein forms V175M, V146M, V88M.
Identifiers: ClinVar variation 1984164 (VCV001984164.8), dbSNP rs200268273, ClinGen allele CA5911302.